The following is an entry in ClinVar:

NM_017654.4(SAMD9):c.367G>T (p.Ala123Ser)

Gene: SAMD9 (sterile alpha motif domain containing 9; minus strand). Cytogenetic location: 7q21.2.
Variant type: single nucleotide variant.
Coding change: c.367G>T on transcript NM_017654.4 (MANE Select); coding-DNA position 367, G replaced by T.
Protein change: p.Ala123Ser; replaces alanine 123 with serine.
Molecular consequence: missense variant.
Genome position (GRCh38, 1-based): chr7:93,105,731, C>A on the plus strand (G>T on the coding strand, the complement: SAMD9 is on the minus strand). VCF-style: chr7-93105731-C-A. GRCh37 (hg19) VCF-style: chr7-92735044-C-A.
Other names: c.367G>T (NM_017654.3); c.367G>T, p.Ala123Ser (NM_001193307.2); short protein forms A123S.
Identifiers: ClinVar variation 1900139 (VCV001900139.29), dbSNP rs1051007612, ClinGen allele CA161994910.

ClinVar aggregate classification (germline): Uncertain significance. Review status: criteria provided, multiple submitters, no conflicts (2 of 4 stars). 3 submissions from 3 submitters: Uncertain significance (3). Last evaluated 2024-10-23.

Conditions:
Inborn genetic diseases. Identifiers: MedGen C0950123, MeSH D030342.

Allele frequency attached by ClinVar (database versions not stated): gnomAD 0.00001; TOPMed 0.00001.
gnomAD v4.1: 14 of 1,613,890 alleles (0.00087%); highest among the groups gnomAD compares: Non-Finnish European, 0.0012%; no homozygotes.

Submissions (3):

Labcorp Genetics (formerly Invitae), Labcorp
Classification: Uncertain significance. Last evaluated: 2024-10-23. Review status: criteria provided, single submitter. Criteria: Invitae Variant Classification Sherloc (09022015). Collection method: clinical testing. Allele origin: germline.
Comment: This sequence change replaces alanine, which is neutral and non-polar, with serine, which is neutral and polar, at codon 123 of the SAMD9 protein (p.Ala123Ser). This variant is not present in population databases (gnomAD no frequency). This variant has not been reported in the literature in individuals affected with SAMD9-related conditions. ClinVar contains an entry for this variant (Variation ID: 1900139). Invitae Evidence Modeling of protein sequence and biophysical properties (such as structural, functional, and spatial information, amino acid conservation, physicochemical variation, residue mobility, and thermodynamic stability) indicates that this missense variant is not expected to disrupt SAMD9 protein function with a negative predictive value of 95%. In summary, the available evidence is currently insufficient to determine the role of this variant in disease. Therefore, it has been classified as a Variant of Uncertain Significance.

Ambry Genetics
Classification: Uncertain significance for Inborn genetic diseases. Last evaluated: 2024-10-15. Review status: criteria provided, single submitter. Criteria: Ambry Variant Classification Scheme 2023. Collection method: clinical testing. Allele origin: germline.
Comment: The p.A123S variant (also known as c.367G>T), located in coding exon 1 of the SAMD9 gene, results from a G to T substitution at nucleotide position 367. The alanine at codon 123 is replaced by serine, an amino acid with similar properties. This amino acid position is conserved. In addition, this alteration is predicted to be tolerated by in silico analysis. Based on the available evidence, the clinical significance of this variant remains unclear.

CeGaT Center for Human Genetics Tuebingen
Classification: Uncertain significance. Last evaluated: 2022-11-01. Review status: criteria provided, single submitter. Criteria: CeGaT Center For Human Genetics Tuebingen Variant Classification Criteria Version 2. Collection method: clinical testing. Allele origin: germline. Affected: yes. Observed: 1 variant allele.
Comment: SAMD9: PM2, BP4